The following is an entry in ClinVar:

NM_000212.3(ITGB3):c.412G>A (p.Val138Met)

Gene: ITGB3 (integrin subunit beta 3; plus strand). Cytogenetic location: 17q21.32.
Variant type: single nucleotide variant.
Coding change: c.412G>A on transcript NM_000212.3 (MANE Select); coding-DNA position 412, G replaced by A.
Protein change: p.Val138Met; replaces valine 138 with methionine.
Molecular consequence: missense variant.
Genome position (GRCh38, 1-based): chr17:47,284,493, G>A. VCF-style: chr17-47284493-G-A. GRCh37 (hg19) VCF-style: chr17-45361859-G-A.
Other names: short protein forms V138M.
Identifiers: ClinVar variation 996168 (VCV000996168.3), dbSNP rs2065095545, ClinGen allele CA400021826.

ClinVar aggregate classification (germline): Uncertain significance (3 of 4 stars; one submission).

Conditions:
Glanzmann thrombasthenia. Also called: Glanzmann's thrombasthenia; PLATELET GLYCOPROTEIN IIb-IIIa DEFICIENCY; BLEEDING DISORDER, PLATELET-TYPE, 2; THROMBASTHENIA OF GLANZMANN AND NAEGELI; Thrombasthenia. Identifiers: Orphanet 849, MedGen C0040015, MONDO:0100326.

gnomAD v4.1: 1 of 1,614,146 alleles (0.000062%); no homozygotes.

Submission:

ClinGen Platelet Disorders Variant Curation Expert Panel, ClinGen
Classification: Uncertain significance for Glanzmann thrombasthenia. Last evaluated: 2024-03-07. Review status: reviewed by expert panel. Criteria: ClinGen Platelet ACMG Specifications v2-1. Collection method: curation. Allele origin: germline. Inheritance: Autosomal recessive inheritance.
Comment: NM_000212.3(ITGB3):c.412G>A (p.Val138Met) missense variant has been reported in at least one GT patient (PMID: 29675921), however a second ITGB3 variant was not identified. The ITGA2B Ala341Val variant was also reported in this patient, as such the patient is not considered in the analysis of the ITGB3 Val138Met variant. The highest allele frequency for this variant is 0.00001882 (1/53142) in the gnomADv4.0 European (Finnish) population, below the <1/10,000 threshold (PM2_supporting). It is predicted deleterious (REVEL score 0.862; PP3). In summary there is insufficient evidence to classify this variant for GT. GT-specific criteria applied: PM2_Supporting and PP3.